The following is an entry in ClinVar:

NM_006949.4(STXBP2):c.1745C>T (p.Ala582Val)

Gene: STXBP2 (syntaxin binding protein 2; plus strand). Cytogenetic location: 19p13.2.
Variant type: single nucleotide variant.
Coding change: c.1745C>T on transcript NM_006949.4 (MANE Select); coding-DNA position 1745, C replaced by T.
Protein change: p.Ala582Val; replaces alanine 582 with valine.
Molecular consequence: missense variant. On other transcripts: non-coding transcript variant (1).
Genome position (GRCh38, 1-based): chr19:7,647,773, C>T. VCF-style: chr19-7647773-C-T. GRCh37 (hg19) VCF-style: chr19-7712659-C-T.
Other names: c.1736C>T, p.Ala579Val (NM_001127396.3); c.1778C>T, p.Ala593Val (NM_001272034.2); c.1649C>T, p.Ala550Val (NM_001414484.1); short protein forms A579V, A582V, A550V, A593V.
Identifiers: ClinVar variation 2089693 (VCV002089693.4), dbSNP rs1218746706, ClinGen allele CA403162395.
Genomic context (GRCh38, chr19:7,647,773, plus strand): 5'-GCCCCTGCACAGGCTCCTCACACATCCTCACCCCGACCCGCTTCCTGGATGACCTGAAGG[C>T]ACTGGACAAGAAGCTGGAGGACATTGCCCTGCCCTGACCCCTGGCCCCGCCCCCTACCCC-3'
Protein context (NP_008880.2, residues 572-592): TPTRFLDDLK[Ala582Val]LDKKLEDIAL

ClinVar aggregate classification (germline): Uncertain significance (1 of 4 stars; one submission).

Conditions:
Familial hemophagocytic lymphohistiocytosis 5. Also called: STXBP2-Related Familial Hemophagocytic Lymphohistiocytosis (STXBP2-fHLH). Identifiers: Orphanet 540, MedGen C2751293, MONDO:0013135, OMIM 613101.

Allele frequency attached by ClinVar (database versions not stated): gnomAD exomes below 0.00001.
gnomAD v4.1: 1 of 1,614,140 alleles (0.000062%); highest among the groups gnomAD compares: South Asian, 0.0011%; no homozygotes.

Submission:

Labcorp Genetics (formerly Invitae), Labcorp
Classification: Uncertain significance for Familial hemophagocytic lymphohistiocytosis 5. Last evaluated: 2023-12-06. Review status: criteria provided, single submitter. Criteria: Invitae Variant Classification Sherloc (09022015). Collection method: clinical testing. Allele origin: germline.
Comment: This sequence change replaces alanine, which is neutral and non-polar, with valine, which is neutral and non-polar, at codon 582 of the STXBP2 protein (p.Ala582Val). This variant is present in population databases (no rsID available, gnomAD 0.003%). This variant has not been reported in the literature in individuals affected with STXBP2-related conditions. ClinVar contains an entry for this variant (Variation ID: 2089693). An algorithm developed to predict the effect of missense changes on protein structure and function (PolyPhen-2) suggests that this variant is likely to be tolerated. Algorithms developed to predict the effect of sequence changes on RNA splicing suggest that this variant may create or strengthen a splice site. In summary, the available evidence is currently insufficient to determine the role of this variant in disease. Therefore, it has been classified as a Variant of Uncertain Significance.